The following is an entry in ClinVar:

NM_004446.3(EPRS1):c.3155G>A (p.Trp1052Ter)

Gene: EPRS1 (glutamyl-prolyl-tRNA synthetase 1; minus strand). Cytogenetic location: 1q41.
Variant type: single nucleotide variant.
Coding change: c.3155G>A on transcript NM_004446.3 (MANE Select); coding-DNA position 3155, G replaced by A.
Protein change: p.Trp1052Ter; replaces tryptophan 1052 with a stop codon.
Molecular consequence: nonsense.
Genome position (GRCh38, 1-based): chr1:219,983,334, C>T on the plus strand (G>A on the coding strand, the complement: EPRS1 is on the minus strand). VCF-style: chr1-219983334-C-T. GRCh37 (hg19) VCF-style: chr1-220156676-C-T.
Other names: short protein forms W1052*.
Identifiers: ClinVar variation 2751990 (VCV002751990.3), dbSNP rs2527968546, ClinGen allele CA344639413.
Genomic context (GRCh38, chr1:219,983,334, plus strand): 5'-CCAAGTTTCTTGATCTCAGCATCAAAAAAGTCCTTGATGGCTTCCCAAATGGCATAGGCC[C>T]AGGGACGAAGAATATAACAGCCACTTATGTCATGGTATTCAATCATTTCTGACTTTGTGA-3'

ClinVar aggregate classification (germline): Pathogenic (1 of 4 stars; one submission).

Submission:

Labcorp Genetics (formerly Invitae), Labcorp
Classification: Pathogenic. Last evaluated: 2023-08-19. Review status: criteria provided, single submitter. Criteria: Invitae Variant Classification Sherloc (09022015). Collection method: clinical testing. Allele origin: germline.
Comment: This variant is not present in population databases (gnomAD no frequency). This variant has not been reported in the literature in individuals affected with EPRS-related conditions. Algorithms developed to predict the effect of sequence changes on RNA splicing suggest that this variant may disrupt the consensus splice site. For these reasons, this variant has been classified as Pathogenic. This sequence change creates a premature translational stop signal (p.Trp1052*) in the EPRS gene. It is expected to result in an absent or disrupted protein product. Loss-of-function variants in EPRS are known to be pathogenic (PMID: 29576217).

Literature cited by the submitters: PubMed 29576217.